The following is an entry in ClinVar:

ClinVar aggregate classification (germline): Uncertain significance. Review status: criteria provided, multiple submitters, no conflicts (2 of 4 stars). 3 submissions from 3 submitters: Uncertain significance (3). Last evaluated 2025-06-04.

Conditions:
Mitochondrial DNA depletion syndrome 1. Also called: Mitochondrial neurogastrointestinal encephalomyopathy syndrome; Mitochondrial DNA depletion syndrome 1 (MNGIE type); Mitochondrial Neurogastrointestinal Encephalopathy Disease; MITOCHONDRIAL NEUROGASTROINTESTINAL ENCEPHALOPATHY SYNDROME, TYMP-RELATED; MNGIE, TYMP-RELATED; POLIP SYNDROME. Identifiers: Orphanet 298, MedGen C4551995, MONDO:0011283, OMIM 603041.

Allele frequency attached by ClinVar (database versions not stated): gnomAD exomes 0.00001 and 0.00002; ExAC 0.00002; 1000 Genomes Project 30x 0.00016; 1000 Genomes Project 0.00020.
gnomAD v4.1: 12 of 1,613,400 alleles (0.00074%); highest among the groups gnomAD compares: Admixed American, 0.0083%; no homozygotes.

Submissions (3):

GeneDx
Classification: Uncertain significance. Last evaluated: 2025-06-04. Review status: criteria provided, single submitter. Criteria: GeneDx Variant Classification Process June 2021. Collection method: clinical testing. Allele origin: germline. Affected: yes.
Comment: Not observed at significant frequency in large population cohorts (gnomAD); In silico analysis suggests that this missense variant does not alter protein structure/function; Has not been previously published as pathogenic or benign to our knowledge

Labcorp Genetics (formerly Invitae), Labcorp
Classification: Uncertain significance. Last evaluated: 2022-10-17. Review status: criteria provided, single submitter. Criteria: Invitae Variant Classification Sherloc (09022015). Collection method: clinical testing. Allele origin: germline.
Comment: This sequence change replaces glutamic acid, which is acidic and polar, with lysine, which is basic and polar, at codon 246 of the TYMP protein (p.Glu246Lys). This variant is present in population databases (rs567858165, gnomAD 0.01%). This variant has not been reported in the literature in individuals affected with TYMP-related conditions. ClinVar contains an entry for this variant (Variation ID: 1400246). Advanced modeling of protein sequence and biophysical properties (such as structural, functional, and spatial information, amino acid conservation, physicochemical variation, residue mobility, and thermodynamic stability) performed at Invitae indicates that this missense variant is not expected to disrupt TYMP protein function. In summary, the available evidence is currently insufficient to determine the role of this variant in disease. Therefore, it has been classified as a Variant of Uncertain Significance.

Fulgent Genetics
Classification: Uncertain significance for Mitochondrial DNA depletion syndrome 1. Last evaluated: 2021-07-12. Review status: criteria provided, single submitter. Criteria: ACMG Guidelines, 2015. Collection method: clinical testing. Allele origin: unknown.

NM_001953.5(TYMP):c.736G>A (p.Glu246Lys)

Gene: TYMP (thymidine phosphorylase; minus strand). Cytogenetic location: 22q13.33.
Variant type: single nucleotide variant.
Coding change: c.736G>A on transcript NM_001953.5 (MANE Select); coding-DNA position 736, G replaced by A.
Protein change: p.Glu246Lys; replaces glutamic acid 246 with lysine.
Molecular consequence: missense variant.
Genome position (GRCh38, 1-based): chr22:50,527,194, C>T on the plus strand (G>A on the coding strand, the complement: TYMP is on the minus strand). VCF-style: chr22-50527194-C-T. GRCh37 (hg19) VCF-style: chr22-50965623-C-T.
Other names: c.736G>A, p.Glu246Lys (NM_001113755.3, NM_001113756.3, NM_001257988.1 and 1 more transcripts); c.736G>A (NM_001953.3); short protein forms E246K.
Identifiers: ClinVar variation 1400246 (VCV001400246.6), dbSNP rs567858165, ClinGen allele CA10321586.